The following is an entry in ClinVar:

ClinVar aggregate classification (germline): Pathogenic. Review status: criteria provided, multiple submitters, no conflicts (2 of 4 stars). 7 submissions from 7 submitters: Pathogenic (5). 2 of the submissions do not count toward it. Last evaluated 2024-08-20.

Conditions:
Pheochromocytoma. Also called: MAX-Related Hereditary Paraganglioma-Pheochromocytoma Syndrome. Identifiers: Orphanet 29072, MedGen C0031511, MONDO:0008233, OMIM 171300, HP:0002666.
Paragangliomas with sensorineural hearing loss. Identifiers: MedGen C1868633.
Carney-Stratakis syndrome. Also called: PARAGANGLIOMA AND GASTROINTESTINAL STROMAL TUMOR. Identifiers: Orphanet 97286, MedGen C1847319, MONDO:0011740, OMIM 606864.
Cowden syndrome 3 (CWS3). Identifiers: Orphanet 201, MedGen CN166604, MONDO:0014045.
Hereditary cancer-predisposing syndrome. Also called: Tumor predisposition; Hereditary neoplastic syndrome; Hereditary Cancer Syndrome; Neoplastic Syndromes, Hereditary. Identifiers: Orphanet 140162, MedGen C0027672, MeSH D009386, MONDO:0015356.
Hereditary pheochromocytoma and paraganglioma. Also called: Hereditary paragangliomas and pheochromocytomas; Hereditary pheochromocytoma-paraganglioma; Hereditary Paraganglioma-Pheochromocytoma Syndromes. Identifiers: Orphanet 29072, MedGen C4274332, MONDO:0017366.
Pheochromocytoma/paraganglioma syndrome 1. Also called: Paraganglioma - glomus jugulare; PARAGANGLIOMATA; PARAGANGLIOMAS, FAMILIAL NONCHROMAFFIN, 1; PGL 1; Paragangliomas familial 1; Paragangliomas 1. Identifiers: Orphanet 29072, MedGen C3494181, MONDO:0008192, OMIM 168000.

Submissions (7):

Mayo Clinic Laboratories, Mayo Clinic
Classification: Pathogenic. Last evaluated: 2024-08-20. Review status: criteria provided, single submitter. Criteria: ACMG Guidelines, 2015. Collection method: clinical testing. Allele origin: germline. Observed: 2 variant alleles.
Comment: PP4, PM2, PS4_moderate, PVS1

Myriad Genetics, Inc.
Classification: Pathogenic for Pheochromocytoma/paraganglioma syndrome 1. Last evaluated: 2024-02-09. Review status: criteria provided, single submitter. Criteria: Myriad Autosomal Dominant, Autosomal Recessive and X-Linked Classification Criteria (2023). Collection method: clinical testing. Allele origin: unknown.
Comment: This variant is considered pathogenic. This variant creates a termination codon and is predicted to result in premature protein truncation.

Labcorp Genetics (formerly Invitae), Labcorp
Classification: Pathogenic for Carney-Stratakis syndrome; Paragangliomas with sensorineural hearing loss; Pheochromocytoma; Cowden syndrome 3. Last evaluated: 2022-10-05. Review status: criteria provided, single submitter. Criteria: Invitae Variant Classification Sherloc (09022015). Collection method: clinical testing. Allele origin: germline.
Comment: This variant is not present in population databases (gnomAD no frequency). This sequence change creates a premature translational stop signal (p.Ser32*) in the SDHD gene. It is expected to result in an absent or disrupted protein product. Loss-of-function variants in SDHD are known to be pathogenic (PMID: 19454582, 19802898). This premature translational stop signal has been observed in individuals with paraganglioma (PMID: 23433498). It has also been observed to segregate with disease in related individuals. For these reasons, this variant has been classified as Pathogenic. Algorithms developed to predict the effect of sequence changes on RNA splicing suggest that this variant may disrupt the consensus splice site. ClinVar contains an entry for this variant (Variation ID: 6901).

Ambry Genetics
Classification: Pathogenic for Hereditary cancer-predisposing syndrome. Last evaluated: 2022-04-20. Review status: criteria provided, single submitter. Criteria: Ambry Variant Classification Scheme 2023. Collection method: clinical testing. Allele origin: germline.
Comment: The p.S32* pathogenic mutation (also known as c.95C>A), located in coding exon 2 of the SDHD gene, results from a C to A substitution at nucleotide position 95. This changes the amino acid from a serine to a stop codon within coding exon 2. This alteration has been observed in at least one individual with a personal and/or family history that is consistent with SDHD-related disease (Ambry internal data). This variant is considered to be rare based on population cohorts in the Genome Aggregation Database (gnomAD). This alteration is expected to result in loss of function by premature protein truncation or nonsense-mediated mRNA decay. As such, this alteration is interpreted as a disease-causing mutation.

Division of Medical Genetics, University of Washington
Classification: Pathogenic for Pheochromocytoma/paraganglioma syndrome 1. Last evaluated: 2019-08-01. Review status: criteria provided, single submitter. Criteria: ACMG Guidelines, 2015. Collection method: clinical testing. Allele origin: germline. Study: CSER_CHARM.
Comment: This variant has been reported in the literature in several patients with paragangliomas (Milunsky 2001). This variant creates a premature termination codon. The variant transcript is predicted to be unstable and degraded by nonsense-mediated decay. Loss of expression of one allele of SDHD is an established mechanism of disease (Burnichon 2009, Ricketts 2010). This variant is not present in population databases. Thus, this variant is interpreted as pathogenic.

OMIM
Classification: Pathogenic for PHEOCHROMOCYTOMA/PARAGANGLIOMA SYNDROME 1. Last evaluated: 2001-05-15. Review status: no assertion criteria provided. Collection method: literature only. Allele origin: germline. Not counted in ClinVar's aggregate classification.

Section on Medical Neuroendocrinolgy, National Institutes of Health
Classification: Pathogenic for Hereditary pheochromocytoma and paraganglioma. Review status: no assertion criteria provided. Collection method: research. Allele origin: germline. Affected: yes. Not counted in ClinVar's aggregate classification.

Literature cited by the submitters: PubMed 11343322 (cited by Mayo Clinic Laboratories, Mayo Clinic and OMIM); PubMed 23433498 (cited by Mayo Clinic Laboratories, Mayo Clinic and Labcorp Genetics (formerly Invitae), Labcorp); PubMed 19454582 (cited by Labcorp Genetics (formerly Invitae), Labcorp); PubMed 19802898 (cited by Labcorp Genetics (formerly Invitae), Labcorp).

NM_003002.4(SDHD):c.95C>A (p.Ser32Ter)

Gene: SDHD (succinate dehydrogenase complex subunit D; plus strand). Cytogenetic location: 11q23.1.
Variant type: single nucleotide variant.
Coding change: c.95C>A on transcript NM_003002.4 (MANE Select); coding-DNA position 95, C replaced by A.
Protein change: p.Ser32Ter; replaces serine 32 with a stop codon.
Molecular consequence: nonsense. On other transcripts: non-coding transcript variant (1), intron variant (1).
Genome position (GRCh38, 1-based): chr11:112,087,899, C>A. VCF-style: chr11-112087899-C-A. GRCh37 (hg19) VCF-style: chr11-111958623-C-A.
Other names: p.Ser32*; c.95C>A, p.Ser32Ter (NM_001276503.2, NM_001276506.2); c.52+940C>A (NM_001276504.2); short protein forms S32*.
Identifiers: ClinVar variation 6901 (VCV000006901.18), dbSNP rs104894305, ClinGen allele CA016746.
Genomic context (GRCh38, chr11:112,087,899, plus strand): 5'-TAATGACTCTTTCCTCAGCTCTGTTGCTTCGAACTCCAGTGGTCAGACCTGCTCATATCT[C>A]AGCATTTCTTCAGGACCGACCTATCCCAGAATGGTGTGGAGTGCAGCACATACACTTGTC-3'